The following is an entry in ClinVar:

NM_000371.4(TTR):c.68C>T (p.Thr23Met)

Gene: TTR (transthyretin; plus strand). Cytogenetic location: 18q12.1.
Variant type: single nucleotide variant.
Coding change: c.68C>T on transcript NM_000371.4 (MANE Select); coding-DNA position 68, C replaced by T.
Protein change: p.Thr23Met; replaces threonine 23 with methionine.
Molecular consequence: missense variant.
Genome position (GRCh38, 1-based): chr18:31,591,970, C>T. VCF-style: chr18-31591970-C-T. GRCh37 (hg19) VCF-style: chr18-29171933-C-T.
Other names: p.T23M:ACG>ATG; short protein forms T23M.
Identifiers: ClinVar variation 43456 (VCV000043456.19), dbSNP rs377052919, ClinGen allele CA132605.

ClinVar aggregate classification (germline): Uncertain significance. Review status: criteria provided, multiple submitters, no conflicts (2 of 4 stars). 6 submissions from 6 submitters: Uncertain significance (6). Last evaluated 2025-05-27.

Conditions:
Carpal tunnel syndrome 1 (CTS1). Also called: Carpal tunnel syndrome, familial. Identifiers: MedGen C5779776, MONDO:0020730, OMIM 115430.
Hyperthyroxinemia, dystransthyretinemic. Also called: HYPERTHYROXINEMIA, DYSPREALBUMINEMIC; EUTHRYROIDAL HYPERTHYROXINEMIA 2. Identifiers: MedGen C2750824, MONDO:0007785, OMIM 145680.
Amyloidosis, hereditary systemic 1 (AMYLD1). Also called: Hereditary Transthyretin Amyloidosis; AMYLOID CARDIOMYOPATHY; Familial amyloid polyneuropathy; Isolated Cardiac Amyloidosis; Amyloid Cardiomyopathy, Transthyretin-related; Transthyretin Amyloidosis. Identifiers: Orphanet 85447, Orphanet 85451, MedGen C2751492, MONDO:0971004, OMIM 105210.
Cardiovascular phenotype. Identifiers: MedGen CN230736.

Allele frequency attached by ClinVar (database versions not stated): gnomAD 0.00001; gnomAD exomes 0.00002 and 0.00003; TOPMed 0.00002; ExAC 0.00004; ESP Exome Variant Server 0.00008.
gnomAD v4.1: 41 of 1,613,956 alleles (0.0025%); highest among the groups gnomAD compares: Non-Finnish European, 0.003%; no homozygotes.

Submissions (6):

Labcorp Genetics (formerly Invitae), Labcorp
Classification: Uncertain significance for Amyloidosis, hereditary systemic 1. Last evaluated: 2025-05-27. Review status: criteria provided, single submitter. Criteria: Invitae Variant Classification Sherloc (09022015). Collection method: clinical testing. Allele origin: germline.
Comment: This sequence change replaces threonine, which is neutral and polar, with methionine, which is neutral and non-polar, at codon 23 of the TTR protein (p.Thr23Met). This variant is present in population databases (rs377052919, gnomAD 0.007%). This variant has not been reported in the literature in individuals affected with TTR-related conditions. ClinVar contains an entry for this variant (Variation ID: 43456). An algorithm developed to predict the effect of missense changes on protein structure and function (PolyPhen-2) suggests that this variant is likely to be tolerated. In summary, the available evidence is currently insufficient to determine the role of this variant in disease. Therefore, it has been classified as a Variant of Uncertain Significance.

Molecular Diagnostic Laboratory for Inherited Cardiovascular Disease, Montreal Heart Institute
Classification: Uncertain significance for Cardiovascular phenotype. Last evaluated: 2025-04-09. Review status: criteria provided, single submitter. Criteria: ACMG Guidelines, 2015. Collection method: clinical testing. Allele origin: germline. Affected: yes.
Comment: PM2, PP2, BP4

Fulgent Genetics
Classification: Uncertain significance for Amyloidosis, hereditary systemic 1; Carpal tunnel syndrome 1; Hyperthyroxinemia, dystransthyretinemic. Last evaluated: 2024-06-04. Review status: criteria provided, single submitter. Criteria: ACMG Guidelines, 2015. Collection method: clinical testing. Allele origin: germline.

Ambry Genetics
Classification: Uncertain significance for Cardiovascular phenotype. Last evaluated: 2022-04-18. Review status: criteria provided, single submitter. Criteria: Ambry Variant Classification Scheme 2023. Collection method: clinical testing. Allele origin: germline.
Comment: The c.68C>T (p.T23M) alteration is located in exon 1 (coding exon 1) of the TTR gene. This alteration results from a C to T substitution at nucleotide position 68, causing the threonine (T) at amino acid position 23 to be replaced by a methionine (M). The alteration is rare in population databases: _x000D_ _x000D_ Based on data from the Genome Aggregation Database (gnomAD), the c.68C>T alteration was observed in 0.002% (6/251,332) of total alleles studied. The altered amino acid is not conserved throughout evolution:_x000D_ _x000D_ The p.T23 amino acid is not conserved in available vertebrate species. The alteration is predicted benign by in silico models:_x000D_ _x000D_ The p.T23M alteration is predicted to be benign by Polyphen and tolerated by SIFT in silico analyses. Based on insufficient or conflicting evidence, the clinical significance of this alteration remains unclear.

GeneDx
Classification: Uncertain significance. Last evaluated: 2019-12-17. Review status: criteria provided, single submitter. Criteria: GeneDx Variant Classification Process June 2021. Collection method: clinical testing. Allele origin: germline. Affected: yes.
Comment: Has not been previously published in association with TTR-related disorders to our knowledge; Reported in ClinVar as a variant of uncertain significance (ClinVar Variant ID# 663602; Landrum et al., 2016); In silico analysis, which includes protein predictors and evolutionary conservation, supports that this variant does not alter protein structure/function; This variant is associated with the following publications: (PMID: 30683924)

Laboratory for Molecular Medicine, Mass General Brigham Personalized Medicine
Classification: Uncertain significance. Last evaluated: 2012-07-31. Review status: criteria provided, single submitter. Criteria: LMM Criteria. Collection method: clinical testing. Allele origin: germline. Observed: 1 variant allele.
Comment: Variant classified as Uncertain Significance - Favor Benign. The Thr23Met varian t in TTR has not been reported in the literature nor previously identified by ou r laboratory. Threonine (Thr) at position 23 is not conserved in evolution, sugg esting that a change at this position may be tolerated. Computational analyses ( biochemical amino acid properties, AlignGVGD, PolyPhen2, and SIFT) also suggest that this variant may not impact the protein. This variant is located in the las t three bases of the exon, which is part of the 5' splice region, but computatio nal tools do not predict altered splicing (the accuracy of these tools is unknow n). The lack of amino acid conservation suggests that the Tyr535His variant may be benign, but additional studies are needed to establish this with confidence.